The following is an entry in ClinVar:

NM_001171613.2(PREPL):c.699T>G (p.Phe233Leu)

Gene: PREPL (prolyl endopeptidase like; minus strand). Cytogenetic location: 2p21.
Variant type: single nucleotide variant.
Coding change: c.699T>G on transcript NM_001171613.2 (MANE Select); coding-DNA position 699, T replaced by G.
Protein change: p.Phe233Leu; replaces phenylalanine 233 with leucine.
Molecular consequence: missense variant.
Genome position (GRCh38, 1-based): chr2:44,339,150, A>C on the plus strand (T>G on the coding strand, the complement: PREPL is on the minus strand). VCF-style: chr2-44339150-A-C. GRCh37 (hg19) VCF-style: chr2-44566289-A-C.
Other names: c.966T>G, p.Phe322Leu (NM_001042385.2, NM_001042386.2, NM_001171603.1 and 4 more transcripts); c.699T>G, p.Phe233Leu (NM_001171617.1, NM_001374277.1); short protein forms F233L, F322L.
Identifiers: ClinVar variation 2049715 (VCV002049715.4), dbSNP rs780410852, ClinGen allele CA1641389.

ClinVar aggregate classification (germline): Uncertain significance. Review status: criteria provided, multiple submitters, no conflicts (2 of 4 stars). 2 submissions from 2 submitters: Uncertain significance (2). Last evaluated 2024-06-03.

Conditions:
Myasthenic syndrome, congenital, 22 (CMS22). Also called: PREPL DEFICIENCY. Identifiers: MedGen C4479088, MONDO:0044299, OMIM 616224.
Inborn genetic diseases. Identifiers: MedGen C0950123, MeSH D030342.

Allele frequency attached by ClinVar (database versions not stated): gnomAD 0.00001; ExAC 0.00002; gnomAD exomes 0.00002; TOPMed 0.00002.
gnomAD v4.1: 36 of 1,613,762 alleles (0.0022%); highest among the groups gnomAD compares: Non-Finnish European, 0.0029%; no homozygotes.

Submissions (2):

Labcorp Genetics (formerly Invitae), Labcorp
Classification: Uncertain significance for Myasthenic syndrome, congenital, 22. Last evaluated: 2024-06-03. Review status: criteria provided, single submitter. Criteria: Invitae Variant Classification Sherloc (09022015). Collection method: clinical testing. Allele origin: germline.
Comment: This sequence change replaces phenylalanine, which is neutral and non-polar, with leucine, which is neutral and non-polar, at codon 322 of the PREPL protein (p.Phe322Leu). This variant is present in population databases (rs780410852, gnomAD 0.006%). This variant has not been reported in the literature in individuals affected with PREPL-related conditions. ClinVar contains an entry for this variant (Variation ID: 2049715). Advanced modeling of protein sequence and biophysical properties (such as structural, functional, and spatial information, amino acid conservation, physicochemical variation, residue mobility, and thermodynamic stability) performed at Invitae indicates that this missense variant is not expected to disrupt PREPL protein function with a negative predictive value of 80%. In summary, the available evidence is currently insufficient to determine the role of this variant in disease. Therefore, it has been classified as a Variant of Uncertain Significance.

Ambry Genetics
Classification: Uncertain significance for Inborn genetic diseases. Last evaluated: 2024-01-09. Review status: criteria provided, single submitter. Criteria: Ambry Variant Classification Scheme 2023. Collection method: clinical testing. Allele origin: germline.